The following is an entry in ClinVar:

NM_001040108.2(MLH3):c.209G>A (p.Gly70Glu)

Gene: MLH3 (mutL homolog 3; minus strand). Cytogenetic location: 14q24.3.
Variant type: single nucleotide variant.
Coding change: c.209G>A on transcript NM_001040108.2 (MANE Select); coding-DNA position 209, G replaced by A.
Protein change: p.Gly70Glu; replaces glycine 70 with glutamic acid.
Molecular consequence: missense variant.
Genome position (GRCh38, 1-based): chr14:75,049,447, C>T on the plus strand (G>A on the coding strand, the complement: MLH3 is on the minus strand). VCF-style: chr14-75049447-C-T. GRCh37 (hg19) VCF-style: chr14-75516150-C-T.
Other names: c.209G>A, p.Gly70Glu (NM_014381.3); short protein forms G70E.
Identifiers: ClinVar variation 1785863 (VCV001785863.3), dbSNP rs2503334417, ClinGen allele CA390451344.

ClinVar aggregate classification (germline): Uncertain significance (1 of 4 stars; one submission).

Submission:

Ambry Genetics
Classification: Uncertain significance. Last evaluated: 2024-10-23. Review status: criteria provided, single submitter. Criteria: Ambry Variant Classification Scheme 2023. Collection method: clinical testing. Allele origin: germline.
Comment: The p.G70E variant (also known as c.209G>A), located in coding exon 1 of the MLH3 gene, results from a G to A substitution at nucleotide position 209. The glycine at codon 70 is replaced by glutamic acid, an amino acid with similar properties. This amino acid position is highly conserved in available vertebrate species. In addition, this alteration is predicted to be deleterious by in silico analysis. Since supporting evidence is limited at this time, the clinical significance of this alteration remains unclear.